The following is an entry in ClinVar:

ClinVar aggregate classification (germline): Uncertain significance (1 of 4 stars; one submission).

Conditions:
Cardiovascular phenotype. Identifiers: MedGen CN230736.

Allele frequency attached by ClinVar (database versions not stated): TOPMed below 0.00001; gnomAD exomes 0.00001.
gnomAD v4.1: 3 of 1,614,072 alleles (0.00019%); highest among the groups gnomAD compares: Non-Finnish European, 0.00025%; no homozygotes.

Submission:

Ambry Genetics
Classification: Uncertain significance for Cardiovascular phenotype. Last evaluated: 2024-02-09. Review status: criteria provided, single submitter. Criteria: Ambry Variant Classification Scheme 2023. Collection method: clinical testing. Allele origin: germline.
Comment: The p.M59I variant (also known as c.177G>A), located in coding exon 1 of the KCNE3 gene, results from a G to A substitution at nucleotide position 177. The methionine at codon 59 is replaced by isoleucine, an amino acid with highly similar properties. This amino acid position is well conserved in available vertebrate species; however, isoleucine is the reference amino acid in other vertebrate species. In addition, this alteration is predicted to be tolerated by in silico analysis. Since supporting evidence is limited at this time, the clinical significance of this alteration remains unclear.

NM_005472.5(KCNE3):c.177G>A (p.Met59Ile)

Gene: KCNE3 (potassium voltage-gated channel subfamily E regulatory subunit 3; minus strand). Cytogenetic location: 11q13.4.
Variant type: single nucleotide variant.
Coding change: c.177G>A on transcript NM_005472.5 (MANE Select); coding-DNA position 177, G replaced by A.
Protein change: p.Met59Ile; replaces methionine 59 with isoleucine.
Molecular consequence: missense variant.
Genome position (GRCh38, 1-based): chr11:74,457,387, C>T on the plus strand (G>A on the coding strand, the complement: KCNE3 is on the minus strand). VCF-style: chr11-74457387-C-T. GRCh37 (hg19) VCF-style: chr11-74168432-C-T.
Other names: short protein forms M59I.
Identifiers: ClinVar variation 1779953 (VCV001779953.2), dbSNP rs1863843783, ClinGen allele CA381973912.